The following is an entry in ClinVar:

NM_000548.5(TSC2):c.2999T>C (p.Leu1000Ser)

Gene: TSC2 (TSC complex subunit 2; plus strand). Cytogenetic location: 16p13.3.
Variant type: single nucleotide variant.
Coding change: c.2999T>C on transcript NM_000548.5 (MANE Select); coding-DNA position 2999, T replaced by C.
Protein change: p.Leu1000Ser; replaces leucine 1000 with serine.
Molecular consequence: missense variant. On other transcripts: non-coding transcript variant (5).
Genome position (GRCh38, 1-based): chr16:2,079,064, T>C. VCF-style: chr16-2079064-T-C. GRCh37 (hg19) VCF-style: chr16-2129065-T-C.
Other names: c.1526T>C, p.Leu509Ser (NM_001406694.1, NM_001406690.1, NM_001406692.1 and 1 more transcripts); c.1523T>C, p.Leu508Ser (NM_001406695.1, NM_001406696.1, NM_001406697.1 and 1 more transcripts); c.1265T>C, p.Leu422Ser (NM_001406698.1); c.2870T>C, p.Leu957Ser (NM_021055.3, NM_001363528.2, NM_001370405.1); c.2867T>C, p.Leu956Ser (NM_001077183.3, NM_001370404.1, NM_001406665.1); c.2999T>C, p.Leu1000Ser (NM_001114382.3); c.2759T>C, p.Leu920Ser (NM_001318827.2); c.2723T>C, p.Leu908Ser (NM_001318829.2); and 18 more; short protein forms L552S, L756S, L757S, L800S, L803S, L907S, L919S, L957S.
Identifiers: ClinVar variation 2564721 (VCV002564721.3), dbSNP rs2544026723, ClinGen allele CA394283775.

ClinVar aggregate classification (germline): Uncertain significance. Review status: criteria provided, multiple submitters, no conflicts (2 of 4 stars). 2 submissions from 2 submitters: Uncertain significance (2). Last evaluated 2024-08-08.

Conditions:
Hereditary cancer-predisposing syndrome. Also called: Neoplastic Syndromes, Hereditary; Hereditary Cancer Syndrome; Hereditary neoplastic syndrome; Tumor predisposition. Identifiers: Orphanet 140162, MedGen C0027672, MeSH D009386, MONDO:0015356.

Submissions (2):

GeneDx
Classification: Uncertain significance. Last evaluated: 2024-08-08. Review status: criteria provided, single submitter. Criteria: GeneDx Variant Classification Process June 2021. Collection method: clinical testing. Allele origin: germline. Affected: yes.
Comment: Not observed at significant frequency in large population cohorts (gnomAD); In silico analysis indicates that this missense variant does not alter protein structure/function; Has not been previously published as pathogenic or benign to our knowledge

Ambry Genetics
Classification: Uncertain significance for Hereditary cancer-predisposing syndrome. Last evaluated: 2023-05-04. Review status: criteria provided, single submitter. Criteria: Ambry Variant Classification Scheme 2023. Collection method: clinical testing. Allele origin: germline.
Comment: The p.L1000S variant (also known as c.2999T>C), located in coding exon 26 of the TSC2 gene, results from a T to C substitution at nucleotide position 2999. The leucine at codon 1000 is replaced by serine, an amino acid with dissimilar properties. This amino acid position is conserved. In addition, the in silico prediction for this alteration is inconclusive. Since supporting evidence is limited at this time, the clinical significance of this alteration remains unclear.